The following is an entry in ClinVar:

ClinVar aggregate classification (germline): Conflicting classifications of pathogenicity. Review status: criteria provided, conflicting classifications (1 of 4 stars). 5 submissions from 5 submitters: Uncertain significance (4); Likely benign (1). Last evaluated 2025-10-18.

Conditions:
Cardiovascular phenotype. Identifiers: MedGen CN230736.
Dilated cardiomyopathy 1KK (CMD1KK). Identifiers: Orphanet 154, Orphanet 75249, MedGen C3714995, MONDO:0014100, OMIM 615248.
MYPN-related myopathy (CMYO24). Also called: Nemaline myopathy 11, autosomal recessive. Identifiers: MedGen C4479186, MONDO:0015023, OMIM 617336.

Allele frequency attached by ClinVar (database versions not stated): ExAC 0.00001; gnomAD 0.00001; gnomAD exomes 0.00001 and 0.00002; TOPMed 0.00004.

Submissions (5):

Women's Health and Genetics/Laboratory Corporation of America, LabCorp
Classification: Uncertain significance. Last evaluated: 2025-10-18. Review status: criteria provided, single submitter. Criteria: LabCorp Variant Classification Summary - May 2015. Collection method: clinical testing. Allele origin: germline.

Ambry Genetics
Classification: Likely benign for Cardiovascular phenotype. Last evaluated: 2025-07-10. Review status: criteria provided, single submitter. Criteria: Ambry Variant Classification Scheme 2023. Collection method: clinical testing. Allele origin: germline.

Labcorp Genetics (formerly Invitae), Labcorp
Classification: Uncertain significance for Dilated cardiomyopathy 1KK. Last evaluated: 2023-07-07. Review status: criteria provided, single submitter. Criteria: Invitae Variant Classification Sherloc (09022015). Collection method: clinical testing. Allele origin: germline.
Comment: Algorithms developed to predict the effect of missense changes on protein structure and function output the following: SIFT: "Not Available"; PolyPhen-2: "Benign"; Align-GVGD: "Not Available". The threonine amino acid residue is found in multiple mammalian species, which suggests that this missense change does not adversely affect protein function. ClinVar contains an entry for this variant (Variation ID: 191754). This variant has not been reported in the literature in individuals affected with MYPN-related conditions. This variant is present in population databases (rs200432306, gnomAD 0.01%). This sequence change replaces serine, which is neutral and polar, with threonine, which is neutral and polar, at codon 854 of the MYPN protein (p.Ser854Thr). In summary, the available evidence is currently insufficient to determine the role of this variant in disease. Therefore, it has been classified as a Variant of Uncertain Significance.

Fulgent Genetics
Classification: Uncertain significance for Dilated cardiomyopathy 1KK; MYPN-related myopathy. Last evaluated: 2021-09-01. Review status: criteria provided, single submitter. Criteria: ACMG Guidelines, 2015. Collection method: clinical testing. Allele origin: unknown.

Biesecker Lab/Clinical Genomics Section, National Institutes of Health
Classification: Uncertain significance. Last evaluated: 2013-06-24. Review status: criteria provided, single submitter. Criteria: Ng et al. (Circ Cardiovasc Genet. 2013). Collection method: research. Allele origin: unknown. Observed: 1 variant allele. Study: ClinSeq.
Comment: The study set was not selected for affection status in relation to any cancer. Pathogenicity categories were based on literature curation. See Pubmed ID:23861362 for details.

Medical sequencing

NM_032578.4(MYPN):c.2560T>A (p.Ser854Thr)

Gene: MYPN (myopalladin; plus strand). Cytogenetic location: 10q21.3.
Variant type: single nucleotide variant.
Coding change: c.2560T>A on transcript NM_032578.4 (MANE Select); coding-DNA position 2560, T replaced by A.
Protein change: p.Ser854Thr; replaces serine 854 with threonine.
Molecular consequence: missense variant. On other transcripts: non-coding transcript variant (2).
Genome position (GRCh38, 1-based): chr10:68,174,652, T>A. VCF-style: chr10-68174652-T-A. GRCh37 (hg19) VCF-style: chr10-69934409-T-A.
Other names: c.2560T>A, p.Ser854Thr (NM_001256267.2); c.1678T>A, p.Ser560Thr (NM_001256268.2); short protein forms S854T, S560T.
Identifiers: ClinVar variation 191754 (VCV000191754.9), dbSNP rs200432306, ClinGen allele CA237463.